The following is an entry in ClinVar:

NM_182493.3(MYLK3):c.272C>T (p.Pro91Leu)

Gene: MYLK3 (myosin light chain kinase 3; minus strand). Cytogenetic location: 16q11.2.
Variant type: single nucleotide variant.
Coding change: c.272C>T on transcript NM_182493.3 (MANE Select); coding-DNA position 272, C replaced by T.
Protein change: p.Pro91Leu; replaces proline 91 with leucine.
Molecular consequence: missense variant. On other transcripts: intron variant (1).
Genome position (GRCh38, 1-based): chr16:46,747,922, G>A on the plus strand (C>T on the coding strand, the complement: MYLK3 is on the minus strand). VCF-style: chr16-46747922-G-A. GRCh37 (hg19) VCF-style: chr16-46781834-G-A.
Other names: c.-113-7775C>T (NM_001308301.1); short protein forms P91L.
Identifiers: ClinVar variation 1911352 (VCV001911352.5), dbSNP rs2548911446, ClinGen allele CA395798045.

ClinVar aggregate classification (germline): Uncertain significance (1 of 4 stars; one submission).

Submission:

Labcorp Genetics (formerly Invitae), Labcorp
Classification: Uncertain significance. Last evaluated: 2024-02-24. Review status: criteria provided, single submitter. Criteria: Invitae Variant Classification Sherloc (09022015). Collection method: clinical testing. Allele origin: germline.
Comment: This sequence change replaces proline, which is neutral and non-polar, with leucine, which is neutral and non-polar, at codon 91 of the MYLK3 protein (p.Pro91Leu). This variant is not present in population databases (gnomAD no frequency). This variant has not been reported in the literature in individuals affected with MYLK3-related conditions. ClinVar contains an entry for this variant (Variation ID: 1911352). An algorithm developed to predict the effect of missense changes on protein structure and function (PolyPhen-2) suggests that this variant is likely to be disruptive. In summary, the available evidence is currently insufficient to determine the role of this variant in disease. Therefore, it has been classified as a Variant of Uncertain Significance.